The following is an entry in ClinVar:

NM_000095.3(COMP):c.289T>C (p.Phe97Leu)

Gene: COMP (cartilage oligomeric matrix protein; minus strand). Cytogenetic location: 19p13.11.
Variant type: single nucleotide variant.
Coding change: c.289T>C on transcript NM_000095.3 (MANE Select); coding-DNA position 289, T replaced by C.
Protein change: p.Phe97Leu; replaces phenylalanine 97 with leucine.
Molecular consequence: missense variant.
Genome position (GRCh38, 1-based): chr19:18,790,043, A>G on the plus strand (T>C on the coding strand, the complement: COMP is on the minus strand). VCF-style: chr19-18790043-A-G. GRCh37 (hg19) VCF-style: chr19-18900852-A-G.
Other names: short protein forms F97L.
Identifiers: ClinVar variation 2002474 (VCV002002474.4), dbSNP rs1250618424, ClinGen allele CA404898632.

ClinVar aggregate classification (germline): Uncertain significance (1 of 4 stars; one submission).

Allele frequency attached by ClinVar (database versions not stated): TOPMed below 0.00001; gnomAD 0.00001.

Submission:

Labcorp Genetics (formerly Invitae), Labcorp
Classification: Uncertain significance. Last evaluated: 2022-06-05. Review status: criteria provided, single submitter. Criteria: Invitae Variant Classification Sherloc (09022015). Collection method: clinical testing. Allele origin: germline.
Comment: In summary, the available evidence is currently insufficient to determine the role of this variant in disease. Therefore, it has been classified as a Variant of Uncertain Significance. Advanced modeling of protein sequence and biophysical properties (such as structural, functional, and spatial information, amino acid conservation, physicochemical variation, residue mobility, and thermodynamic stability) performed at Invitae indicates that this missense variant is not expected to disrupt COMP protein function. This variant has not been reported in the literature in individuals affected with COMP-related conditions. This variant is not present in population databases (gnomAD no frequency). This sequence change replaces phenylalanine, which is neutral and non-polar, with leucine, which is neutral and non-polar, at codon 97 of the COMP protein (p.Phe97Leu).